The following is an entry in ClinVar:

NM_000094.4(COL7A1):c.5114C>T (p.Pro1705Leu)

Gene: COL7A1 (collagen type VII alpha 1 chain; minus strand). Cytogenetic location: 3p21.31.
Variant type: single nucleotide variant.
Coding change: c.5114C>T on transcript NM_000094.4 (MANE Select); coding-DNA position 5114, C replaced by T.
Protein change: p.Pro1705Leu; replaces proline 1705 with leucine.
Molecular consequence: missense variant.
Genome position (GRCh38, 1-based): chr3:48,580,041, G>A on the plus strand (C>T on the coding strand, the complement: COL7A1 is on the minus strand). VCF-style: chr3-48580041-G-A. GRCh37 (hg19) VCF-style: chr3-48617474-G-A.
Other names: short protein forms P1705L.
Identifiers: ClinVar variation 2139679 (VCV002139679.4), dbSNP rs762491113, ClinGen allele CA2379667.

ClinVar aggregate classification (germline): Uncertain significance. Review status: criteria provided, multiple submitters, no conflicts (2 of 4 stars). 3 submissions from 3 submitters: Uncertain significance (3). Last evaluated 2025-06-25.

Conditions:
Inborn genetic diseases. Identifiers: MedGen C0950123, MeSH D030342.

Allele frequency attached by ClinVar (database versions not stated): ExAC 0.00001; gnomAD 0.00001; TOPMed 0.00002.
gnomAD v4.1: 9 of 1,613,750 alleles (0.00056%); highest among the groups gnomAD compares: East Asian, 0.0022%; no homozygotes.

Submissions (3):

Labcorp Genetics (formerly Invitae), Labcorp
Classification: Uncertain significance. Last evaluated: 2025-06-25. Review status: criteria provided, single submitter. Criteria: Invitae Variant Classification Sherloc (09022015). Collection method: clinical testing. Allele origin: germline.
Comment: This sequence change replaces proline, which is neutral and non-polar, with leucine, which is neutral and non-polar, at codon 1705 of the COL7A1 protein (p.Pro1705Leu). This variant is present in population databases (rs762491113, gnomAD 0.003%). This variant has not been reported in the literature in individuals affected with COL7A1-related conditions. ClinVar contains an entry for this variant (Variation ID: 2139679). Invitae Evidence Modeling of protein sequence and biophysical properties (such as structural, functional, and spatial information, amino acid conservation, physicochemical variation, residue mobility, and thermodynamic stability) has been performed for this missense variant. However, the output from this modeling did not meet the statistical confidence thresholds required to predict the impact of this variant on COL7A1 protein function. In summary, the available evidence is currently insufficient to determine the role of this variant in disease. Therefore, it has been classified as a Variant of Uncertain Significance.

Ambry Genetics
Classification: Uncertain significance for Inborn genetic diseases. Last evaluated: 2021-11-09. Review status: criteria provided, single submitter. Criteria: Ambry Variant Classification Scheme 2023. Collection method: clinical testing. Allele origin: germline.

Blueprint Genetics
Classification: Uncertain significance. Last evaluated: 2020-09-23. Review status: criteria provided, single submitter. Criteria: ACMG Guidelines, 2015. Collection method: clinical testing. Allele origin: germline.